The following is an entry in ClinVar:

ClinVar aggregate classification (germline): Uncertain significance (1 of 4 stars; one submission).

Allele frequency attached by ClinVar (database versions not stated): ExAC 0.00003.
gnomAD v4.1: 12 of 1,613,562 alleles (0.00074%); highest among the groups gnomAD compares: Admixed American, 0.02%; no homozygotes.

Submission:

Labcorp Genetics (formerly Invitae), Labcorp
Classification: Uncertain significance. Last evaluated: 2022-06-13. Review status: criteria provided, single submitter. Criteria: Invitae Variant Classification Sherloc (09022015). Collection method: clinical testing. Allele origin: germline.
Comment: In summary, the available evidence is currently insufficient to determine the role of this variant in disease. Therefore, it has been classified as a Variant of Uncertain Significance. Advanced modeling of protein sequence and biophysical properties (such as structural, functional, and spatial information, amino acid conservation, physicochemical variation, residue mobility, and thermodynamic stability) performed at Invitae indicates that this missense variant is not expected to disrupt ROBO1 protein function. This variant has not been reported in the literature in individuals affected with ROBO1-related conditions. This variant is present in population databases (rs764427434, gnomAD 0.02%). This sequence change replaces isoleucine, which is neutral and non-polar, with methionine, which is neutral and non-polar, at codon 44 of the ROBO1 protein (p.Ile44Met).

NM_002941.4(ROBO1):c.132C>G (p.Ile44Met)

Gene: ROBO1 (roundabout guidance receptor 1; minus strand). Cytogenetic location: 3p12.3.
Variant type: single nucleotide variant.
Coding change: c.132C>G on transcript NM_002941.4 (MANE Select); coding-DNA position 132, C replaced by G.
Protein change: p.Ile44Met; replaces isoleucine 44 with methionine.
Molecular consequence: missense variant.
Genome position (GRCh38, 1-based): chr3:79,125,496, G>C on the plus strand (C>G on the coding strand, the complement: ROBO1 is on the minus strand). VCF-style: chr3-79125496-G-C. GRCh37 (hg19) VCF-style: chr3-79174646-G-C.
Other names: short protein forms I44M.
Identifiers: ClinVar variation 2183587 (VCV002183587.4), dbSNP rs764427434, ClinGen allele CA2499378.
Genomic context (GRCh38, chr3:79,125,496, plus strand): 5'-TTGGGAAAGAGACACTCTACCTGTATAGCCCAGCGAATTGTCATCGTTATCAGAGGTGGG[G>C]ATTGGCGTCCCGTGGTCGTTCCCCCTCTCTACATCTTCAGGGTCTGTCGGAAACAACACC-3'
Protein context (NP_002932.1, residues 34-54): VERGNDHGTP[Ile44Met]PTSDNDDNSL